The following is an entry in ClinVar:

ClinVar aggregate classification (germline): Uncertain significance. Review status: criteria provided, multiple submitters, no conflicts (2 of 4 stars). 2 submissions from 2 submitters: Uncertain significance (2). Last evaluated 2023-12-18.

Allele frequency attached by ClinVar (database versions not stated): ExAC 0.00001.
gnomAD v4.1: 30 of 1,613,282 alleles (0.0019%); highest among the groups gnomAD compares: Non-Finnish European, 0.0025%; no homozygotes.

Submissions (2):

Blueprint Genetics
Classification: Uncertain significance. Last evaluated: 2023-12-18. Review status: criteria provided, single submitter. Criteria: ACMG Guidelines, 2015. Collection method: clinical testing. Allele origin: germline.

GeneDx
Classification: Uncertain significance. Last evaluated: 2019-04-17. Review status: criteria provided, single submitter. Criteria: GeneDx Variant Classification Process June 2021. Collection method: clinical testing. Allele origin: germline. Affected: yes.
Comment: Not observed in large population cohorts (Lek et al., 2016); In silico analysis, which includes protein predictors and evolutionary conservation, supports a deleterious effect; Has not been previously published as pathogenic or benign to our knowledge

NM_020751.3(COG6):c.241C>A (p.Arg81Ser)

Gene: COG6 (component of oligomeric golgi complex 6; plus strand). Cytogenetic location: 13q14.11.
Variant type: single nucleotide variant.
Coding change: c.241C>A on transcript NM_020751.3 (MANE Select); coding-DNA position 241, C replaced by A.
Protein change: p.Arg81Ser; replaces arginine 81 with serine.
Molecular consequence: missense variant. On other transcripts: non-coding transcript variant (1).
Genome position (GRCh38, 1-based): chr13:39,659,451, C>A. VCF-style: chr13-39659451-C-A. GRCh37 (hg19) VCF-style: chr13-40233588-C-A.
Other names: c.241C>A, p.Arg81Ser (NM_001145079.2); short protein forms R81S.
Identifiers: ClinVar variation 1304214 (VCV001304214.3), dbSNP rs753029623, ClinGen allele CA6958247.